The following is an entry in ClinVar:

ClinVar aggregate classification (germline): Uncertain significance (0 of 4 stars; one submission).

Conditions:
GTP cyclohydrolase I deficiency with hyperphenylalaninemia (HPABH4B). Also called: Hyperphenylalaninemia, tetrahydrobiopterin-deficient, due to GTP cyclohydrolase 1 deficiency; HYPERPHENYLALANINEMIA, BH4-DEFICIENT, B; HYPERPHENYLALANINEMIA, TETRAHYDROBIOPTERIN-DEFICIENT, DUE TO GTP CYCLOHYDROLASE I DEFICIENCY. Identifiers: Orphanet 2102, Orphanet 238583, MedGen CN305333, MONDO:0100186, OMIM 233910.

Submission:

Neonatal Disease Screening Center, Medical Genetics Center, Huaihua City Maternal and Child Health Care Hospital
Classification: Uncertain significance for GTP cyclohydrolase I deficiency with hyperphenylalaninemia. Review status: no assertion criteria provided. Criteria: ACMG Guidelines, 2015. Collection method: clinical testing. Allele origin: germline. Affected: yes. Observed: 1 variant allele.
Comment: PM2_P+PP3

NM_000317.3(PTS):c.91C>A (p.Leu31Ile)

Gene: PTS (6-pyruvoyltetrahydropterin synthase; plus strand). Cytogenetic location: 11q23.1.
Variant type: single nucleotide variant.
Coding change: c.91C>A on transcript NM_000317.3 (MANE Select); coding-DNA position 91, C replaced by A.
Protein change: p.Leu31Ile; replaces leucine 31 with isoleucine.
Molecular consequence: missense variant.
Genome position (GRCh38, 1-based): chr11:112,228,601, C>A. VCF-style: chr11-112228601-C-A. GRCh37 (hg19) VCF-style: chr11-112099324-C-A.
Other names: short protein forms L31I.
Identifiers: ClinVar variation 3061791 (VCV003061791.2), dbSNP rs780189909, ClinGen allele CA382626935.